The following is an entry in ClinVar:

NM_000368.5(TSC1):c.1853A>G (p.His618Arg)

Gene: TSC1 (TSC complex subunit 1; minus strand). Cytogenetic location: 9q34.13.
Variant type: single nucleotide variant.
Coding change: c.1853A>G on transcript NM_000368.5 (MANE Select); coding-DNA position 1853, A replaced by G.
Protein change: p.His618Arg; replaces histidine 618 with arginine.
Molecular consequence: missense variant.
Genome position (GRCh38, 1-based): chr9:132,905,725, T>C on the plus strand (A>G on the coding strand, the complement: TSC1 is on the minus strand). VCF-style: chr9-132905725-T-C. GRCh37 (hg19) VCF-style: chr9-135781112-T-C.
Other names: c.1853A>G (NM_000368.4); c.1850A>G, p.His617Arg (NM_001162426.2); c.1700A>G, p.His567Arg (NM_001162427.2); c.1490A>G, p.His497Arg (NM_001362177.2); short protein forms H497R, H618R, H567R, H617R.
Identifiers: ClinVar variation 1494363 (VCV001494363.10), dbSNP rs2131818558, ClinGen allele CA375363132.

ClinVar aggregate classification (germline): Uncertain significance. Review status: criteria provided, multiple submitters, no conflicts (2 of 4 stars). 2 submissions from 2 submitters: Uncertain significance (2). Last evaluated 2025-03-03.

Conditions:
Hereditary cancer-predisposing syndrome. Also called: Neoplastic Syndromes, Hereditary; Tumor predisposition; Hereditary neoplastic syndrome; Hereditary Cancer Syndrome. Identifiers: Orphanet 140162, MedGen C0027672, MeSH D009386, MONDO:0015356.
Tuberous sclerosis 1 (TSC1). Identifiers: Orphanet 805, MedGen C1854465, MONDO:0008612, OMIM 191100.

Allele frequency attached by ClinVar (database versions not stated): gnomAD exomes below 0.00001.

Submissions (2):

Labcorp Genetics (formerly Invitae), Labcorp
Classification: Uncertain significance for Tuberous sclerosis 1. Last evaluated: 2025-03-03. Review status: criteria provided, single submitter. Criteria: Invitae Variant Classification Sherloc (09022015). Collection method: clinical testing. Allele origin: germline.
Comment: This sequence change replaces histidine, which is basic and polar, with arginine, which is basic and polar, at codon 618 of the TSC1 protein (p.His618Arg). This variant is not present in population databases (gnomAD no frequency). This variant has not been reported in the literature in individuals affected with TSC1-related conditions. ClinVar contains an entry for this variant (Variation ID: 1494363). Invitae Evidence Modeling of protein sequence and biophysical properties (such as structural, functional, and spatial information, amino acid conservation, physicochemical variation, residue mobility, and thermodynamic stability) indicates that this missense variant is not expected to disrupt TSC1 protein function with a negative predictive value of 95%. In summary, the available evidence is currently insufficient to determine the role of this variant in disease. Therefore, it has been classified as a Variant of Uncertain Significance.

Ambry Genetics
Classification: Uncertain significance for Hereditary cancer-predisposing syndrome. Last evaluated: 2022-12-23. Review status: criteria provided, single submitter. Criteria: Ambry Variant Classification Scheme 2023. Collection method: clinical testing. Allele origin: germline.
Comment: The p.H618R variant (also known as c.1853A>G), located in coding exon 13 of the TSC1 gene, results from an A to G substitution at nucleotide position 1853. The histidine at codon 618 is replaced by arginine, an amino acid with highly similar properties. This amino acid position is conserved. In addition, the in silico prediction for this alteration is inconclusive. Since supporting evidence is limited at this time, the clinical significance of this alteration remains unclear.